The following is an entry in ClinVar:

ClinVar aggregate classification (germline): Likely pathogenic (1 of 4 stars; one submission).

Conditions:
Colorectal cancer, susceptibility to, 12 (CRCS12). Also called: COLORECTAL CANCER, SUSCEPTIBILITY TO, ON CHROMOSOME 12q24. Identifiers: Orphanet 220460, MedGen C3554460, MONDO:0014038, OMIM 615083.

Submission:

EVOGEN
Classification: Likely pathogenic for Colorectal cancer, susceptibility to, 12. Last evaluated: 2025-03-28. Review status: criteria provided, single submitter. Criteria: ACMG Guidelines, 2015. Collection method: clinical testing. Allele origin: germline. Affected: no.
Comment: Adenocarcinoma. PVS1: Null variant (intronic within ±2 of splice site) in gene POLE. Loss-of-function is a known mechanism of disease (gene has 452 reported pathogenic LOF variants). PM2: Variant not found in gnomAD genomes, good gnomAD genomes coverage = 31.2. Variant not found in gnomAD exomes, good gnomAD exomes coverage = 30.8.

NM_006231.4(POLE):c.204+1G>C

Gene: POLE (DNA polymerase epsilon, catalytic subunit; minus strand). Cytogenetic location: 12q24.33.
Variant type: single nucleotide variant.
Coding change: c.204+1G>C on transcript NM_006231.4 (MANE Select); the canonical splice donor site of the intron after coding-DNA position 204, G replaced by C.
Molecular consequence: splice donor variant.
Genome position (GRCh38, 1-based): chr12:132,681,137, C>G on the plus strand (G>C on the coding strand, the complement: POLE is on the minus strand). VCF-style: chr12-132681137-C-G. GRCh37 (hg19) VCF-style: chr12-133257723-C-G.
Identifiers: ClinVar variation 4690249 (VCV004690249.1).
Genomic context (GRCh38, chr12:132,681,137, plus strand): 5'-CACGCTATGACCAGAAGGGTTGCAGCCATATTCCTGGGTGGGAGAAGGACCTAGTGCTTA[C>G]AGGATGCATGTTAATGAGCCAGCCTGTCTTCTCACCAGGCTCCTTCAGCCGCTCAAAACC-3'